The following is an entry in ClinVar:

ClinVar aggregate classification (germline): Likely pathogenic (1 of 4 stars; one submission).

Allele frequency attached by ClinVar (database versions not stated): TOPMed below 0.00001.
gnomAD v4.1: 2 of 1,611,632 alleles (0.00012%); highest among the groups gnomAD compares: Non-Finnish European, 0.00017%; no homozygotes.

Submission:

Labcorp Genetics (formerly Invitae), Labcorp
Classification: Likely pathogenic. Last evaluated: 2023-09-25. Review status: criteria provided, single submitter. Criteria: Invitae Variant Classification Sherloc (09022015). Collection method: clinical testing. Allele origin: germline.
Comment: In summary, the currently available evidence indicates that the variant is pathogenic, but additional data are needed to prove that conclusively. Therefore, this variant has been classified as Likely Pathogenic. Algorithms developed to predict the effect of sequence changes on RNA splicing suggest that this variant may disrupt the consensus splice site. This variant has not been reported in the literature in individuals affected with NALCN-related conditions. This variant is not present in population databases (gnomAD no frequency). This sequence change affects a donor splice site in intron 26 of the NALCN gene. It is expected to disrupt RNA splicing. Variants that disrupt the donor or acceptor splice site typically lead to a loss of protein function (PMID: 16199547), and loss-of-function variants in NALCN are known to be pathogenic (PMID: 23749988, 24075186).

Literature cited by the submitters: PubMed 16199547; PubMed 23749988; PubMed 24075186.

NM_052867.4(NALCN):c.3057+1G>A

Gene: NALCN (sodium leak channel, non-selective; minus strand). Cytogenetic location: 13q33.1.
Variant type: single nucleotide variant.
Coding change: c.3057+1G>A on transcript NM_052867.4 (MANE Select); the canonical splice donor site of the intron after coding-DNA position 3057, G replaced by A.
Molecular consequence: splice donor variant.
Genome position (GRCh38, 1-based): chr13:101,103,171, C>T on the plus strand (G>A on the coding strand, the complement: NALCN is on the minus strand). VCF-style: chr13-101103171-C-T. GRCh37 (hg19) VCF-style: chr13-101755522-C-T.
Other names: c.2970+1G>A (NM_001350751.2, NM_001350750.2); c.3057+1G>A (NM_001350749.2); c.3144+1G>A (NM_001350748.2).
Identifiers: ClinVar variation 2792763 (VCV002792763.3), dbSNP rs2034915223, ClinGen allele CA388669112.